The following is an entry in ClinVar:

ClinVar aggregate classification (germline): Conflicting classifications of pathogenicity. Review status: criteria provided, conflicting classifications (1 of 4 stars). 2 submissions from 2 submitters: Pathogenic (1); Uncertain significance (1). Last evaluated 2025-09-08.

Conditions:
Early-infantile DEE. Also called: Early infantile epileptic encephalopathy; Ohtahara syndrome; Early infantile epileptic encephalopathy with suppression bursts. Identifiers: Orphanet 1934, MedGen C0393706, MONDO:0800491.
Inborn genetic diseases. Identifiers: MedGen C0950123, MeSH D030342.

Submissions (2):

Labcorp Genetics (formerly Invitae), Labcorp
Classification: Pathogenic for Early-infantile DEE. Last evaluated: 2025-09-08. Review status: criteria provided, single submitter. Criteria: Invitae Variant Classification Sherloc (09022015). Collection method: clinical testing. Allele origin: germline.
Comment: This sequence change replaces methionine, which is neutral and non-polar, with arginine, which is basic and polar, at codon 1889 of the SCN1A protein (p.Met1889Arg). This variant is not present in population databases (gnomAD no frequency). This missense change has been observed in individual(s) with clinical features of SCN1A-related conditions (PMID: 35723786; internal data). In at least one individual the variant was observed to be de novo. ClinVar contains an entry for this variant (Variation ID: 936981). Invitae Evidence Modeling of protein sequence and biophysical properties (such as structural, functional, and spatial information, amino acid conservation, physicochemical variation, residue mobility, and thermodynamic stability) indicates that this missense variant is expected to disrupt SCN1A protein function with a positive predictive value of 95%. For these reasons, this variant has been classified as Pathogenic.

Ambry Genetics
Classification: Uncertain significance for Inborn genetic diseases. Last evaluated: 2020-08-14. Review status: criteria provided, single submitter. Criteria: Ambry Variant Classification Scheme 2023. Collection method: clinical testing. Allele origin: germline.
Comment: The alteration results in an amino acid change:_x000D_ _x000D_ The c.5666T>G (p.M1889R) alteration is located in coding exon 26 of the SCN1A gene. This alteration results from a T to G substitution at nucleotide position 5666, causing the methionine (M) at amino acid position 1889 to be replaced by an arginine (R). The alteration is not observed in population databases:_x000D_ _x000D_ Based on data from the Genome Aggregation Database (gnomAD), the SCN1A c.5666T>G alteration was not observed, with coverage at this position. The altered amino acid is conserved throughout evolution:_x000D_ _x000D_ The p.M1889 amino acid is conserved in available vertebrate species. The alteration is predicted deleterious by in silico modeling:_x000D_ _x000D_ The p.M1889R alteration is predicted to be deleterious by in silico analysis. Based on insufficient or conflicting evidence, the clinical significance of this alteration remains unclear.

Literature cited by the submitters: PubMed 35723786 (cited by Labcorp Genetics (formerly Invitae), Labcorp).

NM_001165963.4(SCN1A):c.5666T>G (p.Met1889Arg)

Genes: SCN1A (sodium voltage-gated channel alpha subunit 1; minus strand), LOC102724058 (uncharacterized LOC102724058; plus strand). Cytogenetic location: 2q24.3.
Variant type: single nucleotide variant.
Coding change: c.5666T>G on transcript NM_001165963.4 (MANE Select); coding-DNA position 5666, T replaced by G.
Protein change: p.Met1889Arg; replaces methionine 1889 with arginine.
Molecular consequence: missense variant. On other transcripts: non-coding transcript variant (1).
Genome position (GRCh38, 1-based): chr2:165,991,609, A>C on the plus strand (T>G on the coding strand, the complement: SCN1A is on the minus strand). VCF-style: chr2-165991609-A-C. GRCh37 (hg19) VCF-style: chr2-166848119-A-C.
Other names: c.5582T>G, p.Met1861Arg (NM_001353957.2, NM_001165964.3, NM_001353958.2); c.5666T>G, p.Met1889Arg (NM_001202435.3, NM_001353948.2); c.5579T>G, p.Met1860Arg (NM_001353960.2); c.3224T>G, p.Met1075Arg (NM_001353961.2); c.5633T>G, p.Met1878Arg (NM_001353949.2, NM_006920.6, NM_001353950.2 and 2 more transcripts); c.5630T>G, p.Met1877Arg (NM_001353954.2, NM_001353955.2); short protein forms M1075R, M1877R, M1889R, M1878R, M1860R, M1861R.
Identifiers: ClinVar variation 936981 (VCV000936981.11), dbSNP rs1197551054, ClinGen allele CA349064930.